The following is an entry in ClinVar:

NM_000535.7(PMS2):c.1145-10G>A

Gene: PMS2 (PMS1 homolog 2, mismatch repair system component; minus strand). Cytogenetic location: 7p22.1.
Variant type: single nucleotide variant.
Coding change: c.1145-10G>A on transcript NM_000535.7 (MANE Select); 10 bases into the intron before coding-DNA position 1145, G replaced by A.
Molecular consequence: intron variant.
Genome position (GRCh38, 1-based): chr7:5,987,630, C>T on the plus strand (G>A on the coding strand, the complement: PMS2 is on the minus strand). VCF-style: chr7-5987630-C-T. GRCh37 (hg19) VCF-style: chr7-6027261-C-T.
Other names: c.827-10G>A (NM_001322008.2, NM_001322007.2); c.584-10G>A (NM_001322010.2); c.740-10G>A (NM_001322004.2, NM_001322003.2, NM_001322009.2 and 1 more transcripts); c.572-10G>A (NM_001322013.2); c.212-10G>A (NM_001322012.2, NM_001322011.2); c.836-10G>A (NM_001322015.2); c.989-10G>A (NM_001322006.2); c.1145-10G>A (NM_001322014.2).
Identifiers: ClinVar variation 237877 (VCV000237877.28), dbSNP rs533551639, ClinGen allele CA042176.
Genomic context (GRCh38, chr7:5,987,630, plus strand): 5'-TTTCTACCATGGGCTTTTCCAAATCCGCTGCATGCATTTTTATTAAGTTACCTAAGCAAA[C>T]GTGGACGGAGAAGAGGGTCAGGGACTATCCTGAAATGGTGAGAGGACGTGCTTATGTGAA-3'

ClinVar aggregate classification (germline): Conflicting classifications of pathogenicity. Review status: criteria provided, conflicting classifications (1 of 4 stars). 10 submissions from 10 submitters: Uncertain significance (1); Likely benign (8). 1 of the submissions does not count toward it. Last evaluated 2026-01-18.

Conditions:
Hereditary nonpolyposis colorectal neoplasms. Identifiers: MedGen C0009405, MeSH D003123.
Breast and/or ovarian cancer. Identifiers: MedGen CN221562.
Hereditary cancer-predisposing syndrome. Also called: Neoplastic Syndromes, Hereditary; Hereditary neoplastic syndrome; Tumor predisposition; Hereditary Cancer Syndrome. Identifiers: Orphanet 140162, MedGen C0027672, MeSH D009386, MONDO:0015356.
Lynch syndrome 4 (LYNCH4). Also called: Hereditary non-polyposis colorectal cancer, type 4; Colorectal cancer, hereditary nonpolyposis, type 4. Identifiers: Orphanet 144, MedGen C1838333, MONDO:0013699, OMIM 614337. Disease mechanism: loss of function.

Allele frequency attached by ClinVar (database versions not stated): ExAC 0.00004; gnomAD 0.00006 and 0.00007; gnomAD exomes 0.00007 and 0.00011; TOPMed 0.00008; 1000 Genomes Project 30x 0.00016; 1000 Genomes Project 0.00020.
gnomAD v4.1: 156 of 1,563,686 alleles (0.01%); highest among the groups gnomAD compares: African/African-American, 0.013%; no homozygotes.

Submissions (10):

Labcorp Genetics (formerly Invitae), Labcorp
Classification: Likely benign for Hereditary nonpolyposis colorectal neoplasms. Last evaluated: 2026-01-18. Review status: criteria provided, single submitter. Criteria: Invitae Variant Classification Sherloc (09022015). Collection method: clinical testing. Allele origin: germline.

Quest Diagnostics Nichols Institute San Juan Capistrano
Classification: Uncertain significance. Last evaluated: 2025-10-17. Review status: criteria provided, single submitter. Criteria: Quest Diagnostics criteria. Collection method: clinical testing. Allele origin: unknown.
Comment: The PMS2 c.1145-10G>A variant has not been reported in individuals with PMS2-related conditions in the published literature. The frequency of this variant in the general population (Genome Aggregation Database) is uninformative in the assessment of its pathogenicity. Analysis of this variant using software algorithms for the prediction of the effect of nucleotide changes on PMS2 mRNA splicing yielded inconclusive findings. Based on the available information, we are unable to determine the clinical significance of this variant.

Women's Health and Genetics/Laboratory Corporation of America, LabCorp
Classification: Likely benign. Last evaluated: 2025-09-15. Review status: criteria provided, single submitter. Criteria: LabCorp Variant Classification Summary - May 2015. Collection method: clinical testing. Allele origin: germline.
Comment: Variant summary: PMS2 c.1145-10G>A alters a nucleotide located at a position not widely known to affect splicing. Consensus agreement among computation tools predict no significant impact on normal splicing. However, these predictions have yet to be confirmed by functional studies. The variant allele was found at a frequency of 7.5e-05 in 240248 control chromosomes. The observed variant frequency exceeds the estimated maximal expected allele frequency for disease-causing variants in PMS2. To our knowledge, no occurrence of c.1145-10G>A in individuals affected with PMS2-related conditions and no experimental evidence demonstrating its impact on protein function have been reported. ClinVar contains an entry for this variant (Variation ID: 237877). Based on the evidence outlined above, the variant was classified as likely benign.

Center for Genomic Medicine, Rigshospitalet, Copenhagen University Hospital
Classification: Likely benign. Last evaluated: 2025-03-04. Review status: criteria provided, single submitter. Criteria: ACMG Guidelines, 2015. Collection method: clinical testing. Allele origin: germline.

Myriad Genetics, Inc.
Classification: Likely benign for Lynch syndrome 4. Last evaluated: 2025-01-29. Review status: criteria provided, single submitter. Criteria: Myriad Autosomal Dominant, Autosomal Recessive and X-Linked Classification Criteria (2023). Collection method: clinical testing. Allele origin: unknown.
Comment: This variant is considered likely benign. This variant is intronic and is not expected to impact mRNA splicing.

CHEO Genetics Diagnostic Laboratory, Children's Hospital of Eastern Ontario
Classification: Likely benign for Breast and/or ovarian cancer. Last evaluated: 2022-02-09. Review status: criteria provided, single submitter. Criteria: ACMG Guidelines, 2015. Collection method: clinical testing. Allele origin: germline.

Sema4
Classification: Likely benign for Hereditary cancer-predisposing syndrome. Last evaluated: 2021-06-04. Review status: criteria provided, single submitter. Criteria: Sema4 Curation Guidelines. Collection method: curation. Allele origin: germline.

GeneDx
Classification: Likely benign. Last evaluated: 2017-11-30. Review status: criteria provided, single submitter. Criteria: GeneDx Variant Classification (06012015). Collection method: clinical testing. Allele origin: germline. Affected: yes.
Comment: This variant is considered likely benign or benign based on one or more of the following criteria: it is a conservative change, it occurs at a poorly conserved position in the protein, it is predicted to be benign by multiple in silico algorithms, and/or has population frequency not consistent with disease.

Color Diagnostics, LLC DBA Color Health
Classification: Likely benign for Hereditary cancer-predisposing syndrome. Last evaluated: 2015-11-08. Review status: criteria provided, single submitter. Criteria: ACMG Guidelines, 2015. Collection method: clinical testing. Allele origin: germline.

Department of Pathology and Laboratory Medicine, Sinai Health System
Classification: Likely benign. Review status: no assertion criteria provided. Collection method: clinical testing. Allele origin: unknown. Affected: yes. Study: The Canadian Open Genetics Repository (COGR). Not counted in ClinVar's aggregate classification.
Comment: The PMS2 c.1145-10G>A variant was not identified in the literature nor was it identified in the GeneInsight-COGR, Cosmic, Zhejiang University Database, Mismatch Repair Genes Variant Database, and Insight Hereditary Tumors databases. The variant was identified in dbSNP (ID: rs533551639) as "With Likely benign, other allele", and in ClinVar (classified as likely benign by Invitae, GeneDx, Color Genomics; as uncertain significance by Quest Diagnostics Nichols Institute San Juan Capistrano). The variant was identified in control databases in 19 of 266922 chromosomes at a frequency of 0.0001 (Genome Aggregation Database Feb 27, 2017). The variant was observed in the following populations: African in 5 of 23038 chromosomes (freq: 0.0002), Latino in 2 of 34292 chromosomes (freq: 0.0001), European in 9 of 122996 chromosomes (freq: 0.0001), East Asian in 3 of 18684 chromosomes (freq: 0.0002), while the variant was not observed in the Other, Ashkenazi Jewish, Finnish, and South Asian populations. The c.1145-10G>A variant is located in the 3' splice region but does not affect the invariant -1 and -2 positions. However, positions -3 and -5 to -12 are part of the splicing consensus sequence and variants involving these positions sometimes affect splicing. However, in silico or computational prediction software programs (SpliceSiteFinder, MaxEntScan, NNSPLICE, GeneSplicer, HumanSpliceFinder) do not predict a difference in splicing. In summary, based on the above information the clinical significance of this variant cannot be determined with certainty at this time although we would lean towards a more benign role for this variant. This variant is classified as likely benign.